The following is an entry in ClinVar:

NM_001330078.2(NRXN1):c.3365-109899A>G

Gene: NRXN1 (neurexin 1; minus strand). Cytogenetic location: 2p16.3.
Variant type: single nucleotide variant.
Coding change: c.3365-109899A>G on transcript NM_001330078.2 (MANE Select); 109899 bases into the intron before coding-DNA position 3365, A replaced by G.
Molecular consequence: intron variant. On other transcripts: synonymous variant (4).
Genome position (GRCh38, 1-based): chr2:50,346,869, T>C on the plus strand (A>G on the coding strand, the complement: NRXN1 is on the minus strand). VCF-style: chr2-50346869-T-C. GRCh37 (hg19) VCF-style: chr2-50574007-T-C.
Other names: c.81A>G, p.Ala27= (NM_001330091.2, NM_001330092.2, NM_001330097.2 and 1 more transcripts); c.3254-109899A>G (NM_001330096.2, NM_001330087.2); c.3299-109899A>G (NM_001330083.2, NM_001330084.2); c.3284-109899A>G (NM_001330088.2); c.3362-109899A>G (NM_001330093.2); c.3353-109899A>G (NM_001330094.2); c.3314-109899A>G (NM_001330095.2); c.3341-109899A>G (NM_001330082.2, NM_001330077.2); and 3 more.
Identifiers: ClinVar variation 378297 (VCV000378297.42), dbSNP rs562219421, ClinGen allele CA1654562.

ClinVar aggregate classification (germline): Likely benign. Review status: criteria provided, multiple submitters, no conflicts (2 of 4 stars). 5 submissions from 5 submitters: Likely benign (5). Last evaluated 2024-06-13.

Conditions:
Inborn genetic diseases. Identifiers: MedGen C0950123, MeSH D030342.
Pitt-Hopkins-like syndrome 2 (PTHSL2). Identifiers: Orphanet 221150, Orphanet 600663, MedGen C3280479, MONDO:0013690, OMIM 614325.
Chromosome 2p16.3 deletion syndrome. Identifiers: MedGen C3808494, MONDO:0013696, OMIM 614332.

Allele frequency attached by ClinVar (database versions not stated): gnomAD 0.00012 and 0.00025; gnomAD exomes 0.00015 and 0.00027; ExAC 0.00016; TOPMed 0.00023; 1000 Genomes Project 30x 0.00125; 1000 Genomes Project 0.00260.
gnomAD v4.1: 363 of 1,382,330 alleles (0.026%); highest among the groups gnomAD compares: East Asian, 0.99%; 1 homozygote.

Submissions (5):

Blueprint Genetics
Classification: Likely benign. Last evaluated: 2024-06-13. Review status: criteria provided, single submitter. Criteria: ACMG Guidelines, 2015. Collection method: clinical testing. Allele origin: germline.

CeGaT Center for Human Genetics Tuebingen
Classification: Likely benign. Last evaluated: 2022-10-01. Review status: criteria provided, single submitter. Criteria: CeGaT Center For Human Genetics Tuebingen Variant Classification Criteria Version 2. Collection method: clinical testing. Allele origin: germline. Affected: yes. Observed: 2 variant alleles.
Comment: NRXN1: BP4, BP7

Fulgent Genetics
Classification: Likely benign for Pitt-Hopkins-like syndrome 2; Chromosome 2p16.3 deletion syndrome. Last evaluated: 2022-03-30. Review status: criteria provided, single submitter. Criteria: ACMG Guidelines, 2015. Collection method: clinical testing. Allele origin: unknown.

GeneDx
Classification: Likely benign. Last evaluated: 2019-02-22. Review status: criteria provided, single submitter. Criteria: GeneDx Variant Classification Process June 2021. Collection method: clinical testing. Allele origin: germline. Affected: yes.
Comment: This variant is associated with the following publications: (PMID: 22405623)

Ambry Genetics
Classification: Likely benign for Inborn genetic diseases. Last evaluated: 2016-10-18. Review status: criteria provided, single submitter. Criteria: Ambry Variant Classification Scheme 2023. Collection method: clinical testing. Allele origin: germline.